The following is an entry in ClinVar:

ClinVar aggregate classification (germline): Uncertain significance (1 of 4 stars; one submission).

Allele frequency attached by ClinVar (database versions not stated): ExAC 0.00001.

Submission:

Labcorp Genetics (formerly Invitae), Labcorp
Classification: Uncertain significance. Last evaluated: 2022-07-05. Review status: criteria provided, single submitter. Criteria: Invitae Variant Classification Sherloc (09022015). Collection method: clinical testing. Allele origin: germline.
Comment: This sequence change replaces histidine, which is basic and polar, with asparagine, which is neutral and polar, at codon 848 of the CDH23 protein (p.His848Asn). This variant is not present in population databases (gnomAD no frequency). This variant has not been reported in the literature in individuals affected with CDH23-related conditions. Algorithms developed to predict the effect of missense changes on protein structure and function output the following: SIFT: "Tolerated"; PolyPhen-2: "Not Available"; Align-GVGD: "Class C0". The asparagine amino acid residue is found in multiple mammalian species, which suggests that this missense change does not adversely affect protein function. In summary, the available evidence is currently insufficient to determine the role of this variant in disease. Therefore, it has been classified as a Variant of Uncertain Significance.

NM_022124.6(CDH23):c.2542C>A (p.His848Asn)

Gene: CDH23 (cadherin related 23; plus strand). Cytogenetic location: 10q22.1.
Variant type: single nucleotide variant.
Coding change: c.2542C>A on transcript NM_022124.6 (MANE Select); coding-DNA position 2542, C replaced by A.
Protein change: p.His848Asn; replaces histidine 848 with asparagine.
Molecular consequence: missense variant.
Genome position (GRCh38, 1-based): chr10:71,702,166, C>A. VCF-style: chr10-71702166-C-A. GRCh37 (hg19) VCF-style: chr10-73461923-C-A.
Other names: c.2542C>A, p.His848Asn (NM_001171930.2, NM_001171931.2); short protein forms H848N.
Identifiers: ClinVar variation 2014256 (VCV002014256.1), dbSNP rs770561289, ClinGen allele CA5544243.